The following is an entry in ClinVar:

NM_000135.4(FANCA):c.104A>C (p.Tyr35Ser)

Gene: FANCA (FA complementation group A; minus strand). Cytogenetic location: 16q24.3.
Variant type: single nucleotide variant.
Coding change: c.104A>C on transcript NM_000135.4 (MANE Select); coding-DNA position 104, A replaced by C.
Protein change: p.Tyr35Ser; replaces tyrosine 35 with serine.
Molecular consequence: missense variant.
Genome position (GRCh38, 1-based): chr16:89,815,962, T>G on the plus strand (A>C on the coding strand, the complement: FANCA is on the minus strand). VCF-style: chr16-89815962-T-G. GRCh37 (hg19) VCF-style: chr16-89882370-T-G.
Other names: c.104A>C, p.Tyr35Ser (NM_001018112.3, NM_001286167.3, NM_001351830.2); short protein forms Y35S.
Identifiers: ClinVar variation 4619193 (VCV004619193.1).
Genomic context (GRCh38, chr16:89,815,962, plus strand): 5'-TGATGGCTTCGCAGGAGGCGCACAGCTGATTCCTTTAATTTCTGTGCCCTTTCAGGATTA[T>G]ATTTTTCCCTCTTGACCCTTCCCGCTACGGAGAGAAGTCGGTTCGAAACCATCACAGCAC-3'
Protein context (NP_000126.2, residues 25-45): LLAGRVKREK[Tyr35Ser]NPERAQKLKE

ClinVar aggregate classification (germline): Uncertain significance (1 of 4 stars; one submission).

Conditions:
Inborn genetic diseases. Identifiers: MedGen C0950123, MeSH D030342.

gnomAD v4.1: 1 of 1,613,910 alleles (0.000062%); highest among the groups gnomAD compares: Non-Finnish European, 0.000085%; no homozygotes.

Submission:

Ambry Genetics
Classification: Uncertain significance for Inborn genetic diseases. Last evaluated: 2025-10-10. Review status: criteria provided, single submitter. Criteria: Ambry Variant Classification Scheme 2023. Collection method: clinical testing. Allele origin: germline.
Comment: The p.Y35S variant (also known as c.104A>C), located in coding exon 2 of the FANCA gene, results from an A to C substitution at nucleotide position 104. The tyrosine at codon 35 is replaced by serine, an amino acid with dissimilar properties. This amino acid position is conserved. In addition, this alteration is predicted to be tolerated by in silico analysis. Based on the available evidence, the clinical significance of this variant remains unclear.